The following is an entry in ClinVar:

NM_001142864.4(PIEZO1):c.7157G>A (p.Arg2386His)

Gene: PIEZO1 (piezo type mechanosensitive ion channel component 1 (Er blood group); minus strand). Cytogenetic location: 16q24.3.
Variant type: single nucleotide variant.
Coding change: c.7157G>A on transcript NM_001142864.4 (MANE Select); coding-DNA position 7157, G replaced by A.
Protein change: p.Arg2386His; replaces arginine 2386 with histidine.
Molecular consequence: missense variant.
Genome position (GRCh38, 1-based): chr16:88,716,092, C>T on the plus strand (G>A on the coding strand, the complement: PIEZO1 is on the minus strand). VCF-style: chr16-88716092-C-T. GRCh37 (hg19) VCF-style: chr16-88782500-C-T.
Other names: c.7157G>A (NM_001142864.3); c.5699G>A, p.Arg1900His (NM_014745.1); short protein forms R1900H, R2386H.
Identifiers: ClinVar variation 2434767 (VCV002434767.4), dbSNP rs991858063, ClinGen allele CA286406251.

ClinVar aggregate classification (germline): Uncertain significance. Review status: criteria provided, multiple submitters, no conflicts (2 of 4 stars). 2 submissions from 2 submitters: Uncertain significance (2). Last evaluated 2024-04-09.

Conditions:
PIEZO1-related disorder. Also called: PIEZO1-related condition; PIEZO1-Related Disorders.

Allele frequency attached by ClinVar (database versions not stated): TOPMed 0.00008; gnomAD 0.00006.
gnomAD v4.1: 63 of 1,548,280 alleles (0.0041%); highest among the groups gnomAD compares: African/African-American, 0.018%; no homozygotes.

Submissions (2):

Revvity Omics, Revvity
Classification: Uncertain significance. Last evaluated: 2024-04-09. Review status: criteria provided, single submitter. Criteria: ACMG Guidelines, 2015. Collection method: clinical testing. Allele origin: germline.

PreventionGenetics, part of Exact Sciences
Classification: Uncertain significance for PIEZO1-related condition. Last evaluated: 2023-04-17. Review status: criteria provided, single submitter. Criteria: ACMG Guidelines, 2015. Collection method: clinical testing. Allele origin: germline.
Comment: The PIEZO1 c.7157G>A variant is predicted to result in the amino acid substitution p.Arg2386His. To our knowledge, this variant has not been reported in the literature. This variant is reported in 0.0079% of alleles in individuals of Latino descent in gnomAD. At this time, the clinical significance of this variant is uncertain due to the absence of conclusive functional and genetic evidence.